The following is an entry in ClinVar:

ClinVar aggregate classification (germline): Uncertain significance (0 of 4 stars; one submission).

Conditions:
TTN-related disorder. Also called: TTN-related condition; TTN-related disease; TTN-related disorders.

gnomAD v4.1: 1 of 1,613,778 alleles (0.000062%); highest among the groups gnomAD compares: Non-Finnish European, 0.000085%; no homozygotes.

Submission:

PreventionGenetics, part of Exact Sciences
Classification: Uncertain significance for TTN-related condition. Last evaluated: 2024-06-10. Review status: no assertion criteria provided. Collection method: clinical testing. Allele origin: germline.
Comment: The TTN c.95464G>A variant is predicted to result in the amino acid substitution p.Glu31822Lys. To our knowledge, this variant has not been reported in the literature or in a large population database, indicating this variant is rare. At this time, the clinical significance of this variant is uncertain due to the absence of conclusive functional and genetic evidence.

NM_001267550.2(TTN):c.95464G>A (p.Glu31822Lys)

Genes: TTN (titin; minus strand), TTN-AS1 (TTN antisense RNA 1; plus strand). Cytogenetic location: 2q31.2.
Variant type: single nucleotide variant.
Coding change: c.95464G>A on transcript NM_001267550.2 (MANE Select); coding-DNA position 95464, G replaced by A.
Protein change: p.Glu31822Lys; replaces glutamic acid 31822 with lysine.
Molecular consequence: missense variant.
Genome position (GRCh38, 1-based): chr2:178,545,646, C>T on the plus strand (G>A on the coding strand, the complement: TTN is on the minus strand). VCF-style: chr2-178545646-C-T. GRCh37 (hg19) VCF-style: chr2-179410373-C-T.
Other names: c.90541G>A, p.Glu30181Lys (NM_001256850.1); c.68269G>A, p.Glu22757Lys (NM_003319.4); c.87760G>A, p.Glu29254Lys (NM_133378.4); c.68644G>A, p.Glu22882Lys (NM_133432.3); c.68845G>A, p.Glu22949Lys (NM_133437.4); short protein forms E22757K, E22882K, E22949K, E29254K, E30181K, E31822K.
Identifiers: ClinVar variation 3358694 (VCV003358694.1).